The following is an entry in ClinVar:

NM_139137.4(KCNC2):c.1241C>T (p.Ser414Leu)

Gene: KCNC2 (potassium voltage-gated channel subfamily C member 2; minus strand). Cytogenetic location: 12q21.1.
Variant type: single nucleotide variant.
Coding change: c.1241C>T on transcript NM_139137.4 (MANE Select); coding-DNA position 1241, C replaced by T.
Protein change: p.Ser414Leu; replaces serine 414 with leucine.
Molecular consequence: missense variant. On other transcripts: non-coding transcript variant (1).
Genome position (GRCh38, 1-based): chr12:75,050,764, G>A on the plus strand (C>T on the coding strand, the complement: KCNC2 is on the minus strand). VCF-style: chr12-75050764-G-A. GRCh37 (hg19) VCF-style: chr12-75444544-G-A.
Other names: c.1241C>T, p.Ser414Leu (NM_001260497.2, NM_001260498.2, NM_001260499.2 and 13 more transcripts); short protein forms S414L.
Identifiers: ClinVar variation 3371535 (VCV003371535.1).

ClinVar aggregate classification (germline): Uncertain significance (1 of 4 stars; one submission).

Submission:

GeneDx
Classification: Uncertain significance. Last evaluated: 2024-03-25. Review status: criteria provided, single submitter. Criteria: GeneDx Variant Classification Process June 2021. Collection method: clinical testing. Allele origin: germline. Affected: yes.
Comment: Not observed at significant frequency in large population cohorts (gnomAD); In silico analysis supports that this missense variant does not alter protein structure/function; Has not been previously published as pathogenic or benign to our knowledge